The following is an entry in ClinVar:

ClinVar aggregate classification (germline): Uncertain significance (1 of 4 stars; one submission).

Allele frequency attached by ClinVar (database versions not stated): gnomAD exomes below 0.00001 and 0.00001; gnomAD 0.00002; TOPMed 0.00003.
gnomAD v4.1: 7 of 1,614,044 alleles (0.00043%); highest among the groups gnomAD compares: Non-Finnish European, 0.00059%; no homozygotes.

Submission:

Labcorp Genetics (formerly Invitae), Labcorp
Classification: Uncertain significance. Last evaluated: 2021-11-03. Review status: criteria provided, single submitter. Criteria: Invitae Variant Classification Sherloc (09022015). Collection method: clinical testing. Allele origin: germline.
Comment: In summary, the available evidence is currently insufficient to determine the role of this variant in disease. Therefore, it has been classified as a Variant of Uncertain Significance. Advanced modeling of protein sequence and biophysical properties (such as structural, functional, and spatial information, amino acid conservation, physicochemical variation, residue mobility, and thermodynamic stability) performed at Invitae indicates that this missense variant is not expected to disrupt ATP2B2 protein function. This variant has not been reported in the literature in individuals affected with ATP2B2-related conditions. This variant is present in population databases (no rsID available, gnomAD 0.007%). This sequence change replaces leucine, which is neutral and non-polar, with valine, which is neutral and non-polar, at codon 234 of the ATP2B2 protein (p.Leu234Val).

NM_001001331.4(ATP2B2):c.700C>G (p.Leu234Val)

Gene: ATP2B2 (ATPase plasma membrane Ca2+ transporting 2; minus strand). Cytogenetic location: 3p25.3.
Variant type: single nucleotide variant.
Coding change: c.700C>G on transcript NM_001001331.4 (MANE Select); coding-DNA position 700, C replaced by G.
Protein change: p.Leu234Val; replaces leucine 234 with valine.
Molecular consequence: missense variant.
Genome position (GRCh38, 1-based): chr3:10,401,034, G>C on the plus strand (C>G on the coding strand, the complement: ATP2B2 is on the minus strand). VCF-style: chr3-10401034-G-C. GRCh37 (hg19) VCF-style: chr3-10442718-G-C.
Other names: c.700C>G, p.Leu234Val (NM_001330611.3, NM_001353564.1, NM_001363862.1 and 1 more transcripts); short protein forms L234V.
Identifiers: ClinVar variation 1427148 (VCV001427148.6), dbSNP rs1475754485, ClinGen allele CA351775113.